The following is an entry in ClinVar:

ClinVar aggregate classification (germline): Uncertain significance. Review status: criteria provided, multiple submitters, no conflicts (2 of 4 stars). 3 submissions from 3 submitters: Uncertain significance (3). Last evaluated 2025-07-01.

Conditions:
Oxoglutaricaciduria. Identifiers: Orphanet 31, MedGen C2752074, MONDO:0008759, OMIM 203740.

Allele frequency attached by ClinVar (database versions not stated): ExAC 0.00003; gnomAD 0.00003; TOPMed 0.00003; 1000 Genomes Project 30x 0.00016; 1000 Genomes Project 0.00020.
gnomAD v4.1: 28 of 1,612,854 alleles (0.0017%); highest among the groups gnomAD compares: Admixed American, 0.042%; no homozygotes.

Submissions (3):

Ambry Genetics
Classification: Uncertain significance. Last evaluated: 2025-07-01. Review status: criteria provided, single submitter. Criteria: Ambry Variant Classification Scheme 2023. Collection method: clinical testing. Allele origin: germline.

GeneDx
Classification: Uncertain significance. Last evaluated: 2025-03-21. Review status: criteria provided, single submitter. Criteria: GeneDx Variant Classification Process June 2021. Collection method: clinical testing. Allele origin: germline. Affected: yes.
Comment: In silico analysis indicates that this missense variant does not alter protein structure/function; Has not been previously published as pathogenic or benign to our knowledge

Labcorp Genetics (formerly Invitae), Labcorp
Classification: Uncertain significance for Oxoglutaricaciduria. Last evaluated: 2022-12-08. Review status: criteria provided, single submitter. Criteria: Invitae Variant Classification Sherloc (09022015). Collection method: clinical testing. Allele origin: germline.
Comment: This variant is present in population databases (rs575729581, gnomAD 0.04%). This sequence change replaces serine, which is neutral and polar, with leucine, which is neutral and non-polar, at codon 1023 of the OGDH protein (p.Ser1023Leu). This variant has not been reported in the literature in individuals affected with OGDH-related conditions. In summary, the available evidence is currently insufficient to determine the role of this variant in disease. Therefore, it has been classified as a Variant of Uncertain Significance. Algorithms developed to predict the effect of missense changes on protein structure and function (SIFT, PolyPhen-2, Align-GVGD) all suggest that this variant is likely to be tolerated.

NM_002541.4(OGDH):c.3068C>T (p.Ser1023Leu)

Gene: OGDH (oxoglutarate dehydrogenase; plus strand). Cytogenetic location: 7p13.
Variant type: single nucleotide variant.
Coding change: c.3068C>T on transcript NM_002541.4 (MANE Select); coding-DNA position 3068, C replaced by T.
Protein change: p.Ser1023Leu; replaces serine 1023 with leucine.
Molecular consequence: missense variant.
Genome position (GRCh38, 1-based): chr7:44,707,995, C>T. VCF-style: chr7-44707995-C-T. GRCh37 (hg19) VCF-style: chr7-44747594-C-T.
Other names: c.3056C>T, p.Ser1019Leu (NM_001165036.2); c.3101C>T, p.Ser1034Leu (NM_001363523.2); c.3068C>T (NM_002541.3); short protein forms S1034L, S1019L, S1023L.
Identifiers: ClinVar variation 2153235 (VCV002153235.6), dbSNP rs575729581, ClinGen allele CA4244293.